The following is an entry in ClinVar:

NM_001289104.2(PRKCSH):c.809A>T (p.Asp270Val)

Gene: PRKCSH (PRKCSH beta subunit of glucosidase II; plus strand). Cytogenetic location: 19p13.2.
Variant type: single nucleotide variant.
Coding change: c.809A>T on transcript NM_001289104.2 (MANE Select); coding-DNA position 809, A replaced by T.
Protein change: p.Asp270Val; replaces aspartic acid 270 with valine.
Molecular consequence: missense variant.
Genome position (GRCh38, 1-based): chr19:11,447,120, A>T. VCF-style: chr19-11447120-A-T. GRCh37 (hg19) VCF-style: chr19-11557935-A-T.
Other names: c.809A>T (NM_002743.2); c.809A>T, p.Asp270Val (NM_001001329.3, NM_001289102.2, NM_001289103.2 and 3 more transcripts); short protein forms D270V.
Identifiers: ClinVar variation 1049728 (VCV001049728.6), dbSNP rs141530441, ClinGen allele CA9213005.

ClinVar aggregate classification (germline): Likely benign. Review status: criteria provided, multiple submitters, no conflicts (2 of 4 stars). 3 submissions from 3 submitters: Likely benign (2). 1 of the submissions does not count toward it. Last evaluated 2026-01-01.

Conditions:
Inborn genetic diseases. Identifiers: MedGen C0950123, MeSH D030342.

Submissions (3):

CeGaT Center for Human Genetics Tuebingen
Classification: Likely benign. Last evaluated: 2026-01-01. Review status: criteria provided, single submitter. Criteria: CeGaT Center For Human Genetics Tuebingen Variant Classification Criteria Version 2. Collection method: clinical testing. Allele origin: germline. Affected: yes. Observed: 1 variant allele.
Comment: PRKCSH: BP4

Ambry Genetics
Classification: Likely benign for Inborn genetic diseases. Last evaluated: 2025-07-12. Review status: criteria provided, single submitter. Criteria: Ambry Variant Classification Scheme 2023. Collection method: clinical testing. Allele origin: germline.

Department of Pathology and Laboratory Medicine, Sinai Health System
Classification: Uncertain significance. Review status: no assertion criteria provided. Collection method: clinical testing. Allele origin: unknown. Affected: yes. Study: The Canadian Open Genetics Repository (COGR). Not counted in ClinVar's aggregate classification.
Comment: The PRKCSH p.Asp270Val variant was not identified in the literature nor was it identified in ClinVar. The variant was identified in dbSNP (ID: rs141530441) and in control databases in 3 of 251050 chromosomes at a frequency of 0.00001195 (Genome Aggregation Database March 6, 2019, v2.1.1). The variant was observed in the South Asian population in 3 of 30616 chromosomes (freq: 0.000098), but was not observed in the African, Latino, Ashkenazi Jewish, East Asian, European (Finnish), European (non-Finnish), or Other populations. The p.Asp270 residue is not conserved in mammals and four out of five computational analyses (PolyPhen-2, SIFT, AlignGVGD, BLOSUM, MutationTaster) do not suggest a high likelihood of impact to the protein; however, this information is not predictive enough to rule out pathogenicity. The variant occurs outside of the splicing consensus sequence and in silico or computational prediction software programs (SpliceSiteFinder, MaxEntScan, NNSPLICE, GeneSplicer) do not predict a difference in splicing. In summary, based on the above information the clinical significance of this variant cannot be determined with certainty at this time. This variant is classified as a variant of uncertain significance.